The following is an entry in ClinVar:

ClinVar aggregate classification (germline): Pathogenic (1 of 4 stars; one submission).

Conditions:
Microcephalic osteodysplastic primordial dwarfism type II (MOPD2). Also called: Microcephalic osteodysplastic primordial dwarfism with tooth abnormalities; MOPD II; OSTEODYSPLASTIC PRIMORDIAL DWARFISM, TYPE II. Identifiers: Orphanet 2637, MedGen C0432246, MONDO:0008872, OMIM 210720.

Submission:

Kasturba Medical College, Manipal, Kasturba Medical College, Manipal, Manipal Academy of Higher Education, Manipal, India
Classification: Pathogenic for Microcephalic osteodysplastic primordial dwarfism type II. Last evaluated: 2025-11-07. Review status: criteria provided, single submitter. Criteria: ACMG Guidelines, 2015. Collection method: research. Allele origin: paternal. Inheritance: Autosomal recessive inheritance. Affected: yes. Observed: 1 heterozygote.
Comment: This variant is absent in heterozygous and/or homozygous state in gnomAD population database (v4.1.0) and our in-house database of 3829 exomes. This variant is predicted to cause shift in the reading frame of the transcript which will either lead to the nonsense-mediated mRNA decay or formation of a truncated protein product.

NM_006031.6(PCNT):c.4593_4594dup (p.Leu1532fs)

Gene: PCNT (pericentrin; plus strand). Cytogenetic location: 21q22.3.
Variant type: Duplication.
Coding change: c.4593_4594dup on transcript NM_006031.6 (MANE Select); coding-DNA positions 4593 to 4594, 2 bases duplicated (GT; older notation c.4593_4594dupGT).
Protein change: p.Leu1532fs; shifts the reading frame from leucine 1532.
Molecular consequence: frameshift variant.
Genome position (GRCh38, 1-based): chr21:46,399,598-46,399,599, GT duplicated; duplicating any 2 consecutive bases within chr21:46,399,597-46,399,599 gives the same sequence; the c. name uses the placement nearest the transcript's 3' end. VCF-style (leftmost placement, unchanged base first): chr21-46399596-T-TTG. GRCh37 (hg19) VCF-style: chr21-47819510-T-TTG.
Other names: c.4239_4240dup, p.Leu1414fs (NM_001315529.2); short protein forms L1414fs, L1532fs.
Identifiers: ClinVar variation 4526882 (VCV004526882.1).
Genomic context (GRCh38, chr21:46,399,596, plus strand): 5'-TGGGTTTTTATAAAACATTCTATTGTATTCCTCAAGCATTTTTTGTTGTTTTAGGTTGAG[T>TTG]TGTTACAACAAAAGTTGAGAGAAAAGTTGGATGAATTTAATGAATTGGCTATACAGAAAG-3'